The following is an entry in ClinVar:

ClinVar aggregate classification (germline): Conflicting classifications of pathogenicity. Review status: criteria provided, conflicting classifications (1 of 4 stars). 2 submissions from 2 submitters: Uncertain significance (1); Likely benign (1). Last evaluated 2024-04-01.

Conditions:
Inborn genetic diseases. Identifiers: MedGen C0950123, MeSH D030342.

Allele frequency attached by ClinVar (database versions not stated): ExAC 0.00002; gnomAD 0.00005; TOPMed 0.00008; gnomAD exomes 0.00011.
gnomAD v4.1: 177 of 1,614,018 alleles (0.011%); highest among the groups gnomAD compares: Non-Finnish European, 0.014%; no homozygotes.

Submissions (2):

CeGaT Center for Human Genetics Tuebingen
Classification: Likely benign. Last evaluated: 2024-04-01. Review status: criteria provided, single submitter. Criteria: CeGaT Center For Human Genetics Tuebingen Variant Classification Criteria Version 2. Collection method: clinical testing. Allele origin: germline. Affected: yes. Observed: 1 variant allele.
Comment: SPEN: BP4

Ambry Genetics
Classification: Uncertain significance for Inborn genetic diseases. Last evaluated: 2023-09-29. Review status: criteria provided, single submitter. Criteria: Ambry Variant Classification Scheme 2023. Collection method: clinical testing. Allele origin: germline.

NM_015001.3(SPEN):c.9277C>G (p.Leu3093Val)

Gene: SPEN (spen family transcriptional repressor; plus strand). Cytogenetic location: 1p36.13.
Variant type: single nucleotide variant.
Coding change: c.9277C>G on transcript NM_015001.3 (MANE Select); coding-DNA position 9277, C replaced by G.
Protein change: p.Leu3093Val; replaces leucine 3093 with valine.
Molecular consequence: missense variant.
Genome position (GRCh38, 1-based): chr1:15,935,517, C>G. VCF-style: chr1-15935517-C-G. GRCh37 (hg19) VCF-style: chr1-16262012-C-G.
Other names: short protein forms L3093V.
Identifiers: ClinVar variation 3168963 (VCV003168963.21), dbSNP rs199982380, ClinGen allele CA620451.